The following is an entry in ClinVar:

NM_000719.7(CACNA1C):c.2793T>G (p.His931Gln)

Gene: CACNA1C (calcium voltage-gated channel subunit alpha1 C; plus strand). Cytogenetic location: 12p13.33.
Variant type: single nucleotide variant.
Coding change: c.2793T>G on transcript NM_000719.7 (MANE Select); coding-DNA position 2793, T replaced by G.
Protein change: p.His931Gln; replaces histidine 931 with glutamine.
Molecular consequence: missense variant.
Genome position (GRCh38, 1-based): chr12:2,596,003, T>G. VCF-style: chr12-2596003-T-G. GRCh37 (hg19) VCF-style: chr12-2705169-T-G.
Other names: c.2793T>G, p.His931Gln (NM_001129827.2, NM_001129829.2, NM_001129830.3 and 18 more transcripts); c.2784T>G, p.His928Gln (NM_001129844.2); short protein forms H931Q, H928Q.
Identifiers: ClinVar variation 575522 (VCV000575522.11), dbSNP rs759991679, ClinGen allele CA383372656.
Genomic context (GRCh38, chr12:2,596,003, plus strand): 5'-GCTCAGCAGCATTTCCCTGGCTGCTGAGGACCCGGTCCAGCACACCTCCTTCAGGAACCA[T>G]GTATGCATCGCCTGTGTCTTCTGCACTCCTTCCCCCTGGGGCTGTGCCAGGCCCACAGCT-3'
Protein context (NP_000710.5, residues 921-941): DPVQHTSFRN[His931Gln]ILFYFDIVFT

ClinVar aggregate classification (germline): Uncertain significance (1 of 4 stars; one submission).

Conditions:
Long QT syndrome (LQTS). Identifiers: MedGen C0023976, MeSH D008133, MONDO:0002442. Disease mechanism: loss of function. Inheritance: Various modes of inheritance.

gnomAD v4.1: 1 of 1,612,280 alleles (0.000062%); highest among the groups gnomAD compares: Non-Finnish European, 0.000085%; no homozygotes.

Submission:

Labcorp Genetics (formerly Invitae), Labcorp
Classification: Uncertain significance for Long QT syndrome. Last evaluated: 2019-08-22. Review status: criteria provided, single submitter. Criteria: Invitae Variant Classification Sherloc (09022015). Collection method: clinical testing. Allele origin: germline.
Comment: In summary, the available evidence is currently insufficient to determine the role of this variant in disease. Therefore, it has been classified as a Variant of Uncertain Significance. Algorithms developed to predict the effect of sequence changes on RNA splicing suggest that this variant may create or strengthen a splice site, but this prediction has not been confirmed by published transcriptional studies. Algorithms developed to predict the effect of missense changes on protein structure and function output the following: SIFT: "Tolerated"; PolyPhen-2: "Benign"; Align-GVGD: "Class C0". The glutamine amino acid residue is found in multiple mammalian species, suggesting that this missense change does not adversely affect protein function. These predictions have not been confirmed by published functional studies and their clinical significance is uncertain. This variant has not been reported in the literature in individuals with CACNA1C-related disease. This variant is not present in population databases (ExAC no frequency). This sequence change replaces histidine with glutamine at codon 931 of the CACNA1C protein (p.His931Gln). The histidine residue is weakly conserved and there is a small physicochemical difference between histidine and glutamine.